The following is an entry in ClinVar:

NM_014159.7(SETD2):c.752A>C (p.Glu251Ala)

Gene: SETD2 (SET domain containing 2, histone lysine methyltransferase; minus strand). Cytogenetic location: 3p21.31.
Variant type: single nucleotide variant.
Coding change: c.752A>C on transcript NM_014159.7 (MANE Select); coding-DNA position 752, A replaced by C.
Protein change: p.Glu251Ala; replaces glutamic acid 251 with alanine.
Molecular consequence: missense variant. On other transcripts: non-coding transcript variant (1).
Genome position (GRCh38, 1-based): chr3:47,123,884, T>G on the plus strand (A>C on the coding strand, the complement: SETD2 is on the minus strand). VCF-style: chr3-47123884-T-G. GRCh37 (hg19) VCF-style: chr3-47165374-T-G.
Other names: c.620A>C, p.Glu207Ala (NM_001349370.3); short protein forms E207A, E251A.
Identifiers: ClinVar variation 4527922 (VCV004527922.1).

ClinVar aggregate classification (germline): Uncertain significance (1 of 4 stars; one submission).

Submission:

GeneDx
Classification: Uncertain significance. Last evaluated: 2025-05-05. Review status: criteria provided, single submitter. Criteria: GeneDx Variant Classification Process June 2021. Collection method: clinical testing. Allele origin: germline. Affected: yes.
Comment: Not observed at significant frequency in large population cohorts (gnomAD); In silico analysis supports that this missense variant has a deleterious effect on protein structure/function; Has not been previously published as pathogenic or benign to our knowledge